The following is an entry in ClinVar:

NM_000321.3(RB1):c.1128-3T>C

Gene: RB1 (RB transcriptional corepressor 1; plus strand). Cytogenetic location: 13q14.2.
Variant type: single nucleotide variant.
Coding change: c.1128-3T>C on transcript NM_000321.3 (MANE Select); 3 bases into the intron before coding-DNA position 1128, T replaced by C.
Molecular consequence: intron variant.
Genome position (GRCh38, 1-based): chr13:48,373,402, T>C. VCF-style: chr13-48373402-T-C. GRCh37 (hg19) VCF-style: chr13-48947538-T-C.
Identifiers: ClinVar variation 1390719 (VCV001390719.6), dbSNP rs2138130844, ClinGen allele CA2573149592.

ClinVar aggregate classification (germline): Uncertain significance (1 of 4 stars; one submission).

Conditions:
Retinoblastoma (RB1). Also called: RETINOBLASTOMA, SOMATIC. Identifiers: Orphanet 790, MedGen C0035335, MeSH D012175, MONDO:0008380, OMIM 180200, HP:0009919. Disease mechanism: loss of function. Inheritance: Both sporadic and heritable forms are tested..

Submission:

Labcorp Genetics (formerly Invitae), Labcorp
Classification: Uncertain significance for Retinoblastoma. Last evaluated: 2025-07-07. Review status: criteria provided, single submitter. Criteria: Invitae Variant Classification Sherloc (09022015). Collection method: clinical testing. Allele origin: germline.
Comment: This sequence change falls in intron 11 of the RB1 gene. It does not directly change the encoded amino acid sequence of the RB1 protein. It affects a nucleotide within the consensus splice site. This variant is not present in population databases (gnomAD no frequency). This variant has not been reported in the literature in individuals affected with RB1-related conditions. ClinVar contains an entry for this variant (Variation ID: 1390719). Variants that disrupt the consensus splice site are a relatively common cause of aberrant splicing (PMID: 17576681, 9536098). Algorithms developed to predict the effect of sequence changes on RNA splicing suggest that this variant is not likely to affect RNA splicing. In summary, the available evidence is currently insufficient to determine the role of this variant in disease. Therefore, it has been classified as a Variant of Uncertain Significance.

Literature cited by the submitters: PubMed 17576681; PubMed 9536098.